The following is an entry in ClinVar:

ClinVar aggregate classification (germline): Conflicting classifications of pathogenicity. Review status: criteria provided, conflicting classifications (1 of 4 stars). 7 submissions from 7 submitters: Likely pathogenic (6); Uncertain significance (1). Last evaluated 2026-03-09.

Conditions:
ILDR1-related disorders.
ILDR1-related disorder. Also called: ILDR1-related condition.
Autosomal recessive nonsyndromic hearing loss 42. Identifiers: Orphanet 90636, MedGen C1864818, MONDO:0012326, OMIM 609646.

Allele frequency attached by ClinVar (database versions not stated): gnomAD 0.00001; gnomAD exomes 0.00001; TOPMed 0.00003; ExAC 0.00004.
gnomAD v4.1: 12 of 1,612,944 alleles (0.00074%); highest among the groups gnomAD compares: East Asian, 0.025%; no homozygotes.

Submissions (7):

Department of Otolaryngology-Head and Neck Surgery, Shanghai Jiao Tong University Affiliated Sixth People’s Hospital
Classification: Likely pathogenic for Autosomal recessive nonsyndromic hearing loss 42. Last evaluated: 2026-03-09. Review status: criteria provided, single submitter. Criteria: ACMG Guidelines, 2015. Collection method: provider interpretation. Allele origin: germline. Inheritance: Autosomal recessive inheritance. Affected: yes. Observed: 1 variant allele, 1 compound heterozygote.
Comment: Pathogenicity Analysis of NM_001199799.2:c.206C>A (p.Pro69His) (Clinvar accession: VCV001705301.4): 1. PM2_Supporting: The variant has an extremely low frequency in the gnomAD database, with a total population frequency of 0.0000068, a frequency of 0.00023 in East Asian controls, and 0.00034 in the Westlake Database. 2. PM3_Supporting: A likely pathogenic variant (c.421G>C) was identified at the trans position. 3. PP1_Moderate: This variant has been reported to co-segregate with hearing loss in 3 affected individuals （ carrying this homozygous variant）from 1 family (PMID: 25668204, 33724713). 4. PP3_Moderate: The REVEL score was 0.773 ≤ REVEL < 0.932, which supports pathogenicity. Based on the above evidence, this variant is classified as likely pathogenic.

PreventionGenetics, part of Exact Sciences
Classification: Likely pathogenic for ILDR1-related condition. Last evaluated: 2025-10-10. Review status: criteria provided, single submitter. Criteria: ACMG Guidelines, 2015. Collection method: clinical testing. Allele origin: germline.
Comment: The ILDR1 c.206C>A variant is predicted to result in the amino acid substitution p.Pro69His. This variant was found to segregate in a family with autosomal recessive non-syndromic sensorineural hearing loss (Kim et al. 2015. PubMed ID: 25668204) and was also found in the homozygous state in an unrelated patient with hearing loss (Table 1, Li. 2021. PubMed ID: 33724713). Functional analysis showed that this variant affected that ability of ILDR1 to localize at tricellular contacts (Kim et al. 2015. PubMed ID: 25668204). This variant is reported in 0.038% of alleles in individuals of East Asian descent in gnomAD. Based on this evidence, we interpret this variant as likely pathogenic.

GeneDx
Classification: Uncertain significance. Last evaluated: 2024-11-08. Review status: criteria provided, single submitter. Criteria: GeneDx Variant Classification Process June 2021. Collection method: clinical testing. Allele origin: germline. Affected: yes.
Comment: In silico analysis supports that this missense variant has a deleterious effect on protein structure/function; This variant is associated with the following publications: (PMID: 29224747, 33724713, 34335733, 25668204)

Blueprint Genetics
Classification: Likely pathogenic for ILDR1-related disorders. Last evaluated: 2024-09-10. Review status: criteria provided, single submitter. Criteria: ACMG Guidelines, 2015. Collection method: clinical testing. Allele origin: germline. Affected: yes. Observed: 4 variant alleles.

Labcorp Genetics (formerly Invitae), Labcorp
Classification: Likely pathogenic. Last evaluated: 2024-08-03. Review status: criteria provided, single submitter. Criteria: Invitae Variant Classification Sherloc (09022015). Collection method: clinical testing. Allele origin: germline.
Comment: This sequence change replaces proline, which is neutral and non-polar, with histidine, which is basic and polar, at codon 69 of the ILDR1 protein (p.Pro69His). This variant is present in population databases (rs754492545, gnomAD 0.03%). This missense change has been observed in individual(s) with deafness (PMID: 25668204, 33724713). It has also been observed to segregate with disease in related individuals. ClinVar contains an entry for this variant (Variation ID: 1705301). An algorithm developed to predict the effect of missense changes on protein structure and function (PolyPhen-2) suggests that this variant is likely to be disruptive. Experimental studies have shown that this missense change affects ILDR1 function (PMID: 25668204). In summary, the currently available evidence indicates that the variant is pathogenic, but additional data are needed to prove that conclusively. Therefore, this variant has been classified as Likely Pathogenic.

3billion
Classification: Likely pathogenic for Autosomal recessive nonsyndromic hearing loss 42. Last evaluated: 2022-09-01. Review status: criteria provided, single submitter. Criteria: ACMG Guidelines, 2015. Collection method: clinical testing. Allele origin: germline. Affected: yes. Observed: 1 homozygote.
Comment: The variant is observed at an extremely low frequency in the gnomAD v2.1.1 dataset (total allele frequency: 0.003%). While this variant results in missense change, protein truncation variants are a common disease-causing mechanism. Functional studies provide strong evidence of the variant having a damaging effect on the gene or gene product (PMID: 25668204). In silico tool predictions suggest damaging effect of the variant on gene or gene product (REVEL: 0.79; 3Cnet: 0.38). Same nucleotide change resulting in same amino acid change has been previously reported to be associated with ILDR1-related disorder (PMID: 25668204). Therefore, this variant is classified as Likely pathogenic according to the recommendation of ACMG/AMP guideline.

Juno Genomics, Hangzhou Juno Genomics, Inc
Classification: Likely pathogenic for Autosomal recessive nonsyndromic hearing loss 42. Review status: criteria provided, single submitter. Criteria: ACMG Guidelines, 2015. Collection method: clinical testing. Allele origin: germline.
Comment: Absent from controls (or at extremely low frequency if recessive) in Genome Aggregation Database.;For recessive disorders, detected in trans with a pathogenic variant.;Co-segregation with disease in multiple affected family members.;Well-established in vitro or in vivo functional studies supportive of a damaging effect on the gene or gene product.

Literature cited by the submitters: PubMed 25668204 (cited by 3 submitters); PubMed 33724713 (cited by Department of Otolaryngology-Head and Neck Surgery, Shanghai Jiao Tong University Affiliated Sixth People’s Hospital and Labcorp Genetics (formerly Invitae), Labcorp).

NM_001199799.2(ILDR1):c.206C>A (p.Pro69His)

Gene: ILDR1 (immunoglobulin like domain containing receptor 1; minus strand). Cytogenetic location: 3q13.33.
Variant type: single nucleotide variant.
Coding change: c.206C>A on transcript NM_001199799.2 (MANE Select); coding-DNA position 206, C replaced by A.
Protein change: p.Pro69His; replaces proline 69 with histidine.
Molecular consequence: missense variant.
Genome position (GRCh38, 1-based): chr3:122,007,014, G>T on the plus strand (C>A on the coding strand, the complement: ILDR1 is on the minus strand). VCF-style: chr3-122007014-G-T. GRCh37 (hg19) VCF-style: chr3-121725861-G-T.
Other names: c.206C>A, p.Pro69His (NM_001199800.2, NM_175924.4); c.206C>A (NM_001199799.1); short protein forms P69H.
Identifiers: ClinVar variation 1705301 (VCV001705301.7), dbSNP rs754492545, ClinGen allele CA2569022.